The following is an entry in ClinVar:

ClinVar aggregate classification (germline): Uncertain significance. Review status: criteria provided, multiple submitters, no conflicts (2 of 4 stars). 2 submissions from 2 submitters: Uncertain significance (2). Last evaluated 2025-01-15.

Conditions:
Dyskeratosis congenita, autosomal recessive 5 (DKCB5). Identifiers: MedGen C3554656, MONDO:0014076, OMIM 615190.
Pulmonary fibrosis and/or bone marrow failure, Telomere-related, 3. Also called: PULMONARY FIBROSIS AND/OR BONE MARROW FAILURE SYNDROME, TELOMERE-RELATED, 3. Identifiers: Orphanet 2032, MedGen C4225346, MONDO:0014613, OMIM 616373.
Inborn genetic diseases. Identifiers: MedGen C0950123, MeSH D030342.

Allele frequency attached by ClinVar (database versions not stated): TOPMed below 0.00001; ExAC 0.00001; gnomAD 0.00001; 1000 Genomes Project 30x 0.00016; 1000 Genomes Project 0.00020.
gnomAD v4.1: 2 of 1,590,724 alleles (0.00013%); highest among the groups gnomAD compares: South Asian, 0.0011%; no homozygotes.

Submissions (2):

Ambry Genetics
Classification: Uncertain significance for Inborn genetic diseases. Last evaluated: 2025-01-15. Review status: criteria provided, single submitter. Criteria: Ambry Variant Classification Scheme 2023. Collection method: clinical testing. Allele origin: germline.
Comment: The p.D793N variant (also known as c.2377G>A), located in coding exon 25 of the RTEL1 gene, results from a G to A substitution at nucleotide position 2377. The aspartic acid at codon 793 is replaced by asparagine, an amino acid with highly similar properties. This amino acid position is conserved. In addition, this alteration is predicted to be tolerated by in silico analysis. Based on the available evidence, the clinical significance of this variant remains unclear.

Labcorp Genetics (formerly Invitae), Labcorp
Classification: Uncertain significance for Dyskeratosis congenita, autosomal recessive 5; Pulmonary fibrosis and/or bone marrow failure, Telomere-related, 3. Last evaluated: 2022-10-25. Review status: criteria provided, single submitter. Criteria: Invitae Variant Classification Sherloc (09022015). Collection method: clinical testing. Allele origin: germline.
Comment: Algorithms developed to predict the effect of missense changes on protein structure and function are either unavailable or do not agree on the potential impact of this missense change (SIFT: "Tolerated"; PolyPhen-2: "Probably Damaging"; Align-GVGD: "Class C0"). In summary, the available evidence is currently insufficient to determine the role of this variant in disease. Therefore, it has been classified as a Variant of Uncertain Significance. This variant has not been reported in the literature in individuals affected with RTEL1-related conditions. This variant is present in population databases (rs573842797, gnomAD 0.003%). This sequence change replaces aspartic acid, which is acidic and polar, with asparagine, which is neutral and polar, at codon 793 of the RTEL1 protein (p.Asp793Asn).

NM_001283009.2(RTEL1):c.2377G>A (p.Asp793Asn)

Genes: RTEL1 (regulator of telomere elongation helicase 1; plus strand), RTEL1-TNFRSF6B (RTEL1-TNFRSF6B readthrough (NMD candidate); plus strand). Cytogenetic location: 20q13.33.
Variant type: single nucleotide variant.
Coding change: c.2377G>A on transcript NM_001283009.2 (MANE Select); coding-DNA position 2377, G replaced by A.
Protein change: p.Asp793Asn; replaces aspartic acid 793 with asparagine.
Molecular consequence: missense variant. On other transcripts: non-coding transcript variant (1).
Genome position (GRCh38, 1-based): chr20:63,690,405, G>A. VCF-style: chr20-63690405-G-A. GRCh37 (hg19) VCF-style: chr20-62321758-G-A.
Other names: c.1708G>A, p.Asp570Asn (NM_001283010.1); c.2377G>A, p.Asp793Asn (NM_016434.4); c.2449G>A, p.Asp817Asn (NM_032957.5); short protein forms D817N, D570N, D793N.
Identifiers: ClinVar variation 2038618 (VCV002038618.5), dbSNP rs573842797, ClinGen allele CA9965307.